The following is an entry in ClinVar:

ClinVar aggregate classification (germline): Uncertain significance (1 of 4 stars; one submission).

Conditions:
Immunodeficiency, common variable, 2 (CVID2). Also called: ANTIBODY DEFICIENCY DUE TO TACI DEFECT; HYPOGAMMAGLOBULINEMIA DUE TO TACI DEFICIENCY. Identifiers: Orphanet 1572, MedGen C3150354, MONDO:0009413, OMIM 240500.

Allele frequency attached by ClinVar (database versions not stated): ExAC 0.00001; gnomAD exomes 0.00002.
gnomAD v4.1: 32 of 1,614,198 alleles (0.002%); highest among the groups gnomAD compares: Non-Finnish European, 0.0027%; no homozygotes.

Submission:

Labcorp Genetics (formerly Invitae), Labcorp
Classification: Uncertain significance for Immunodeficiency, common variable, 2. Last evaluated: 2021-08-24. Review status: criteria provided, single submitter. Criteria: Invitae Variant Classification Sherloc (09022015). Collection method: clinical testing. Allele origin: germline.
Comment: This sequence change replaces tryptophan with arginine at codon 26 of the TNFRSF13B protein (p.Trp26Arg). The tryptophan residue is weakly conserved and there is a moderate physicochemical difference between tryptophan and arginine. This variant is present in population databases (rs773591883, ExAC 0.002%). This variant has not been reported in the literature in individuals affected with TNFRSF13B-related conditions. Algorithms developed to predict the effect of missense changes on protein structure and function output the following: SIFT: "Tolerated"; PolyPhen-2: "Benign"; Align-GVGD: "Class C0". The arginine amino acid residue is found in multiple mammalian species, which suggests that this missense change does not adversely affect protein function. In summary, the available evidence is currently insufficient to determine the role of this variant in disease. Therefore, it has been classified as a Variant of Uncertain Significance.

NM_012452.3(TNFRSF13B):c.76T>C (p.Trp26Arg)

Gene: TNFRSF13B (TNF receptor superfamily member 13B; minus strand). Cytogenetic location: 17p11.2.
Variant type: single nucleotide variant.
Coding change: c.76T>C on transcript NM_012452.3 (MANE Select); coding-DNA position 76, T replaced by C.
Protein change: p.Trp26Arg; replaces tryptophan 26 with arginine.
Molecular consequence: missense variant.
Genome position (GRCh38, 1-based): chr17:16,952,569, A>G on the plus strand (T>C on the coding strand, the complement: TNFRSF13B is on the minus strand). VCF-style: chr17-16952569-A-G. GRCh37 (hg19) VCF-style: chr17-16855883-A-G.
Other names: short protein forms W26R.
Identifiers: ClinVar variation 576346 (VCV000576346.5), dbSNP rs773591883, ClinGen allele CA8414125.